The following is an entry in ClinVar:

ClinVar aggregate classification (germline): Benign/Likely benign. Review status: criteria provided, multiple submitters, no conflicts (2 of 4 stars). 2 submissions from 2 submitters: Benign (1); Likely benign (1). Last evaluated 2019-10-17.

Conditions:
Leigh syndrome (NULS). Also called: Leigh Syndrome (mtDNA deletion); Leigh's syndrome; LEIGH SYNDROME, NUCLEAR; Leigh Disease; Subacute necrotizing encephalopathy; Necrotizing encephalopathy infantile subacute of Leigh. Identifiers: Orphanet 506, MedGen C2931891, MONDO:0009723, OMIM 256000.

Submissions (2):

Wong Mito Lab, Molecular and Human Genetics, Baylor College of Medicine
Classification: Benign for Leigh syndrome. Last evaluated: 2019-10-17. Review status: criteria provided, single submitter. Criteria: Modified ACMG Guidelines (Unpublished). Collection method: clinical testing. Allele origin: germline.
Comment: The NC_012920.1:m.14393A>G (YP_003024037.1:p.Val94Ala) variant in MTND6 gene is interpretated to be a Benign variant based on the modified ACMG guidelines (unpublished). This variant meets the following evidence codes: BS1, BS2, BP4

Center for Pediatric Genomic Medicine, Children's Mercy Hospital and Clinics
Classification: Likely benign. Last evaluated: 2015-08-12. Review status: criteria provided, single submitter. Criteria: ACMG Guidelines, 2015. Collection method: clinical testing. Allele origin: germline.
ClinVar note: Converted during submission from Likely Benign to Likely benign.

NC_012920.1(MT-ND6):m.14393A>G

Gene: MT-ND6 (mitochondrially encoded NADH dehydrogenase 6; minus strand).
Variant type: single nucleotide variant.
Genome position: chrM-14393-A-G.
Identifiers: ClinVar variation 235743 (VCV000235743.4), dbSNP rs878853104, ClinGen allele CA10581415.